The following is an entry in ClinVar:

ClinVar aggregate classification (germline): Uncertain significance (1 of 4 stars; one submission).

Submission:

Labcorp Genetics (formerly Invitae), Labcorp
Classification: Uncertain significance. Last evaluated: 2021-04-28. Review status: criteria provided, single submitter. Criteria: Invitae Variant Classification Sherloc (09022015). Collection method: clinical testing. Allele origin: germline.
Comment: In summary, the available evidence is currently insufficient to determine the role of this variant in disease. Therefore, it has been classified as a Variant of Uncertain Significance. Algorithms developed to predict the effect of missense changes on protein structure and function are either unavailable or do not agree on the potential impact of this missense change (SIFT: "Deleterious"; PolyPhen-2: "Probably Damaging"; Align-GVGD: "Class C0"). This variant has not been reported in the literature in individuals with GRID2-related conditions. This variant is not present in population databases (ExAC no frequency). This sequence change replaces proline with serine at codon 564 of the GRID2 protein (p.Pro564Ser). The proline residue is highly conserved and there is a moderate physicochemical difference between proline and serine.

NM_001510.4(GRID2):c.1690C>T (p.Pro564Ser)

Gene: GRID2 (glutamate ionotropic receptor delta type subunit 2; plus strand). Cytogenetic location: 4q22.2.
Variant type: single nucleotide variant.
Coding change: c.1690C>T on transcript NM_001510.4 (MANE Select); coding-DNA position 1690, C replaced by T.
Protein change: p.Pro564Ser; replaces proline 564 with serine.
Molecular consequence: missense variant.
Genome position (GRCh38, 1-based): chr4:93,455,806, C>T. VCF-style: chr4-93455806-C-T. GRCh37 (hg19) VCF-style: chr4-94376957-C-T.
Other names: c.1405C>T, p.Pro469Ser (NM_001286838.1); short protein forms P564S, P469S.
Identifiers: ClinVar variation 1363817 (VCV001363817.6), dbSNP rs1723133455, ClinGen allele CA357726141.